The following is an entry in ClinVar:

NM_033380.3(COL4A5):c.4016-2A>T

Gene: COL4A5 (collagen type IV alpha 5 chain; plus strand). Cytogenetic location: Xq22.3.
Variant type: single nucleotide variant.
Coding change: c.4016-2A>T on transcript NM_033380.3 (MANE Select); the canonical splice acceptor site of the intron before coding-DNA position 4016, A replaced by T.
Molecular consequence: splice acceptor variant.
Genome position (GRCh38, 1-based): chrX:108,680,883, A>T. VCF-style: chrX-108680883-A-T. GRCh37 (hg19) VCF-style: chrX-107924113-A-T.
Other names: c.3998-2A>T (NM_000495.5).
Identifiers: ClinVar variation 4851291 (VCV004851291.1), dbSNP rs104886397.

ClinVar aggregate classification (germline): Likely pathogenic (1 of 4 stars; one submission).

Conditions:
X-linked Alport syndrome (ATS1). Also called: NEPHROPATHY AND DEAFNESS, X-LINKED; COL4A5-Related Nephropathy. Identifiers: Orphanet 63, Orphanet 88917, MedGen C4746986, MONDO:0010520, OMIM 301050.

Submission:

Genetics laboratory, Institute of Kidney Diseases & Research Centre Dr. H.L. Trivedi Institute Of Transplantation Sciences
Classification: Likely pathogenic for X-linked Alport syndrome. Last evaluated: 2025-09-08. Review status: criteria provided, single submitter. Criteria: ACMG Guidelines, 2015. Collection method: clinical testing. Allele origin: germline. Inheritance: X-linked dominant inheritance. Affected: yes. Observed: 1 variant allele, 1 hemizygote.
Comment: The COL4A5:c.4016-2A>T variant is classified as Likely Pathogenic according to American College of Medical Genetics and Genomics 2015 guidelines. This variant occurs at the canonical splice acceptor site and is expected to disrupt normal RNA splicing, potentially resulting in exon skipping or abnormal transcript formation. Altered splicing leading to loss of normal protein function is a known disease mechanism in Alport syndrome. The variant is absent/rare in population databases, supporting its likely pathogenic role.